The following is an entry in ClinVar:

NM_002227.4(JAK1):c.2675G>A (p.Cys892Tyr)

Gene: JAK1 (Janus kinase 1; minus strand). Cytogenetic location: 1p31.3.
Variant type: single nucleotide variant.
Coding change: c.2675G>A on transcript NM_002227.4 (MANE Select); coding-DNA position 2675, G replaced by A.
Protein change: p.Cys892Tyr; replaces cysteine 892 with tyrosine.
Molecular consequence: missense variant.
Genome position (GRCh38, 1-based): chr1:64,839,770, C>T on the plus strand (G>A on the coding strand, the complement: JAK1 is on the minus strand). VCF-style: chr1-64839770-C-T. GRCh37 (hg19) VCF-style: chr1-65305453-C-T.
Other names: c.2675G>A, p.Cys892Tyr (NM_001320923.2, NM_001321852.2, NM_001321853.2 and 3 more transcripts); c.2675G>A (NM_002227.2); c.2672G>A, p.Cys891Tyr (NM_001321857.2); short protein forms C892Y, C891Y.
Identifiers: ClinVar variation 2829711 (VCV002829711.5), dbSNP rs1654770835, ClinGen allele CA340665410.
Genomic context (GRCh38, chr1:64,839,770, plus strand): 5'-GGCTTCAGAGATTTAACAGCCACCTGCTCCCCTGTATTGTCCCCTTCGGGGTCATACCTG[C>T]AGAGCTCAACCTTCCCAAAGTGGCCCTGGAGGGAAAGATGCATGTGCTGTTATCAGGGAA-3'
Protein context (NP_002218.2, residues 882-902): GEGHFGKVEL[Cys892Tyr]RYDPEGDNTG

ClinVar aggregate classification (germline): Uncertain significance. Review status: criteria provided, multiple submitters, no conflicts (2 of 4 stars). 2 submissions from 2 submitters: Uncertain significance (2). Last evaluated 2025-01-07.

Allele frequency attached by ClinVar (database versions not stated): TOPMed below 0.00001; gnomAD 0.00001.
gnomAD v4.1: 1 of 1,611,436 alleles (0.000062%); highest among the groups gnomAD compares: African/African-American, 0.0013%; no homozygotes.

Submissions (2):

GeneDx
Classification: Uncertain significance. Last evaluated: 2025-01-07. Review status: criteria provided, single submitter. Criteria: GeneDx Variant Classification Process June 2021. Collection method: clinical testing. Allele origin: germline. Affected: yes.
Comment: Not observed at significant frequency in large population cohorts (gnomAD); In silico analysis supports that this missense variant has a deleterious effect on protein structure/function; Has not been previously published as pathogenic or benign to our knowledge; This variant is associated with the following publications: (PMID: 38563820)

Labcorp Genetics (formerly Invitae), Labcorp
Classification: Uncertain significance. Last evaluated: 2023-02-20. Review status: criteria provided, single submitter. Criteria: Invitae Variant Classification Sherloc (09022015). Collection method: clinical testing. Allele origin: germline.
Comment: This sequence change replaces cysteine, which is neutral and slightly polar, with tyrosine, which is neutral and polar, at codon 892 of the JAK1 protein (p.Cys892Tyr). In summary, the available evidence is currently insufficient to determine the role of this variant in disease. Therefore, it has been classified as a Variant of Uncertain Significance. Advanced modeling of protein sequence and biophysical properties (such as structural, functional, and spatial information, amino acid conservation, physicochemical variation, residue mobility, and thermodynamic stability) performed at Invitae indicates that this missense variant is not expected to disrupt JAK1 protein function. This variant has not been reported in the literature in individuals affected with JAK1-related conditions. This variant is not present in population databases (gnomAD no frequency).